The following is an entry in ClinVar:

ClinVar aggregate classification (germline): Uncertain significance (1 of 4 stars; one submission).

Conditions:
Inborn genetic diseases. Identifiers: MedGen C0950123, MeSH D030342.

gnomAD v4.1: 1 of 1,612,088 alleles (0.000062%); highest among the groups gnomAD compares: East Asian, 0.0022%; no homozygotes.

Submission:

Ambry Genetics
Classification: Uncertain significance for Inborn genetic diseases. Last evaluated: 2023-03-22. Review status: criteria provided, single submitter. Criteria: Ambry Variant Classification Scheme 2023. Collection method: clinical testing. Allele origin: germline.
Comment: The p.A840G variant (also known as c.2519C>G), located in coding exon 20 of the LRRK2 gene, results from a C to G substitution at nucleotide position 2519. The alanine at codon 840 is replaced by glycine, an amino acid with similar properties. This amino acid position is conserved. In addition, the in silico prediction for this alteration is inconclusive. Since supporting evidence is limited at this time, the clinical significance of this alteration remains unclear.

NM_198578.4(LRRK2):c.2519C>G (p.Ala840Gly)

Gene: LRRK2 (leucine rich repeat kinase 2; plus strand). Cytogenetic location: 12q12.
Variant type: single nucleotide variant.
Coding change: c.2519C>G on transcript NM_198578.4 (MANE Select); coding-DNA position 2519, C replaced by G.
Protein change: p.Ala840Gly; replaces alanine 840 with glycine.
Molecular consequence: missense variant.
Genome position (GRCh38, 1-based): chr12:40,287,369, C>G. VCF-style: chr12-40287369-C-G. GRCh37 (hg19) VCF-style: chr12-40681171-C-G.
Other names: short protein forms A840G.
Identifiers: ClinVar variation 2567330 (VCV002567330.2), dbSNP rs1294121455, ClinGen allele CA384408582.